The following is an entry in ClinVar:

NM_000551.4(VHL):c.62A>G (p.Glu21Gly)

Gene: VHL (von Hippel-Lindau tumor suppressor; plus strand). Cytogenetic location: 3p25.3.
Variant type: single nucleotide variant.
Coding change: c.62A>G on transcript NM_000551.4 (MANE Select); coding-DNA position 62, A replaced by G.
Protein change: p.Glu21Gly; replaces glutamic acid 21 with glycine.
Molecular consequence: missense variant. On other transcripts: non-coding transcript variant (1).
Genome position (GRCh38, 1-based): chr3:10,141,909, A>G. VCF-style: chr3-10141909-A-G. GRCh37 (hg19) VCF-style: chr3-10183593-A-G.
Other names: c.62A>G, p.Glu21Gly (NM_001354723.2, NM_198156.3); short protein forms E21G.
Identifiers: ClinVar variation 2566463 (VCV002566463.2), dbSNP rs1060503548, ClinGen allele CA351747347.
Genomic context (GRCh38, chr3:10,141,909, plus strand): 5'-TGCCCCGGAGGGCGGAGAACTGGGACGAGGCCGAGGTAGGCGCGGAGGAGGCAGGCGTCG[A>G]AGAGTACGGCCCTGAAGAAGACGGCGGGGAGGAGTCGGGCGCCGAGGAGTCCGGCCCGGA-3'
Protein context (NP_000542.1, residues 11-31): AEVGAEEAGV[Glu21Gly]EYGPEEDGGE

ClinVar aggregate classification (germline): Uncertain significance (1 of 4 stars; one submission).

Conditions:
Hereditary cancer-predisposing syndrome. Also called: Neoplastic Syndromes, Hereditary; Hereditary Cancer Syndrome; Hereditary neoplastic syndrome; Tumor predisposition. Identifiers: Orphanet 140162, MedGen C0027672, MeSH D009386, MONDO:0015356.

Submission:

Ambry Genetics
Classification: Uncertain significance for Hereditary cancer-predisposing syndrome. Last evaluated: 2023-03-20. Review status: criteria provided, single submitter. Criteria: Ambry Variant Classification Scheme 2023. Collection method: clinical testing. Allele origin: germline.
Comment: The p.E21G variant (also known as c.62A>G), located in coding exon 1 of the VHL gene, results from an A to G substitution at nucleotide position 62. The glutamic acid at codon 21 is replaced by glycine, an amino acid with similar properties. This amino acid position is well conserved in available vertebrate species. In addition, this alteration is predicted to be tolerated by in silico analysis. Since supporting evidence is limited at this time, the clinical significance of this alteration remains unclear.